The following is an entry in ClinVar:

ClinVar aggregate classification (germline): Uncertain significance (1 of 4 stars; one submission).

Conditions:
Inborn genetic diseases. Identifiers: MedGen C0950123, MeSH D030342.

Submission:

Ambry Genetics
Classification: Uncertain significance for Inborn genetic diseases. Last evaluated: 2026-06-18. Review status: criteria provided, single submitter. Criteria: Ambry Variant Classification Scheme 2023. Collection method: clinical testing. Allele origin: germline.
Comment: The p.D13N variant (also known as c.37G>A), located in coding exon 1 of the SAMD9 gene, results from a G to A substitution at nucleotide position 37. The aspartic acid at codon 13 is replaced by asparagine, an amino acid with highly similar properties. This amino acid position is conserved. In addition, this alteration is predicted to be tolerated by in silico analysis. Based on the available evidence, the clinical significance of this variant remains unclear.

NM_017654.4(SAMD9):c.37G>A (p.Asp13Asn)

Gene: SAMD9 (sterile alpha motif domain containing 9; minus strand). Cytogenetic location: 7q21.2.
Variant type: single nucleotide variant.
Coding change: c.37G>A on transcript NM_017654.4 (MANE Select); coding-DNA position 37, G replaced by A.
Protein change: p.Asp13Asn; replaces aspartic acid 13 with asparagine.
Molecular consequence: missense variant.
Genome position (GRCh38, 1-based): chr7:93,106,061, C>T on the plus strand (G>A on the coding strand, the complement: SAMD9 is on the minus strand). VCF-style: chr7-93106061-C-T. GRCh37 (hg19) VCF-style: chr7-92735374-C-T.
Other names: c.37G>A, p.Asp13Asn (NM_001193307.2); short protein forms D13N.
Identifiers: ClinVar variation 5028731 (VCV005028731.1).